The following is an entry in ClinVar:

NM_054012.4(ASS1):c.475G>A (p.Asp159Asn)

Gene: ASS1 (argininosuccinate synthase 1; plus strand). Cytogenetic location: 9q34.11.
Variant type: single nucleotide variant.
Coding change: c.475G>A on transcript NM_054012.4 (MANE Select); coding-DNA position 475, G replaced by A.
Protein change: p.Asp159Asn; replaces aspartic acid 159 with asparagine.
Molecular consequence: missense variant.
Genome position (GRCh38, 1-based): chr9:130,466,779, G>A. VCF-style: chr9-130466779-G-A. GRCh37 (hg19) VCF-style: chr9-133342166-G-A.
Other names: c.475G>A, p.Asp159Asn (NM_000050.4); short protein forms D159N.
Identifiers: ClinVar variation 3670087 (VCV003670087.2).

ClinVar aggregate classification (germline): Uncertain significance (1 of 4 stars; one submission).

Conditions:
Citrullinemia. Identifiers: Orphanet 187, MedGen C0175683, MONDO:0015991.

gnomAD v4.1: 2 of 1,614,134 alleles (0.00012%); highest among the groups gnomAD compares: Middle Eastern, 0.033%; no homozygotes.

Submission:

Labcorp Genetics (formerly Invitae), Labcorp
Classification: Uncertain significance for Citrullinemia. Last evaluated: 2024-12-29. Review status: criteria provided, single submitter. Criteria: Invitae Variant Classification Sherloc (09022015). Collection method: clinical testing. Allele origin: germline.
Comment: This sequence change replaces aspartic acid, which is acidic and polar, with asparagine, which is neutral and polar, at codon 159 of the ASS1 protein (p.Asp159Asn). This variant is not present in population databases (gnomAD no frequency). This missense change has been observed in individual(s) with biochemical features of citrullinemia (internal data). In at least one individual the data is consistent with being in trans (on the opposite chromosome) from a pathogenic variant. Invitae Evidence Modeling of protein sequence and biophysical properties (such as structural, functional, and spatial information, amino acid conservation, physicochemical variation, residue mobility, and thermodynamic stability) has been performed for this missense variant. However, the output from this modeling did not meet the statistical confidence thresholds required to predict the impact of this variant on ASS1 protein function. In summary, the available evidence is currently insufficient to determine the role of this variant in disease. Therefore, it has been classified as a Variant of Uncertain Significance.